The following is an entry in ClinVar:

NM_000080.4(CHRNE):c.183_187dup (p.Leu63fs)

Genes: C17orf107 (chromosome 17 open reading frame 107; plus strand), CHRNE (cholinergic receptor nicotinic epsilon subunit; minus strand). Cytogenetic location: 17p13.2.
Variant type: Duplication.
Coding change: c.183_187dup on transcript NM_000080.4 (MANE Select); coding-DNA positions 183 to 187, 5 bases duplicated (CTCAC; older notation c.183_187dupCTCAC).
Protein change: p.Leu63fs; shifts the reading frame from leucine 63.
Molecular consequence: frameshift variant. On other transcripts: 3 prime UTR variant (1).
Genome position (GRCh38, 1-based): chr17:4,902,623-4,902,627, GTGAG duplicated on the plus strand (CTCAC on the coding strand, the reverse complement: CHRNE is on the minus strand). VCF-style (leftmost placement, unchanged base first): chr17-4902622-A-AGTGAG. GRCh37 (hg19) VCF-style: chr17-4805917-A-AGTGAG.
Other names: c.183_187dupCTCAC (NM_000080.4, NM_000080.3); c.*2090_*2094dup (NM_001145536.2); short protein forms L63fs.
Identifiers: ClinVar variation 429303 (VCV000429303.37), dbSNP rs776927709, ClinGen allele CA8314588.
Genomic context (GRCh38, chr17:4,902,622, plus strand): 5'-TCAGCGGTTGGGGCCAGAAGTGGGATTTTTGGCTTAAGATGAGGGTGGGGGTAGCTTACC[A>AGTGAG]GTGAGATGAGATTCGTCAGGGTGACCTTGAGGCTGATGGTGACAGTATCCTCAGGCTCCC-3'

ClinVar aggregate classification (germline): Pathogenic/Likely pathogenic. Review status: criteria provided, multiple submitters, no conflicts (2 of 4 stars). 7 submissions from 7 submitters: Pathogenic (6); Likely pathogenic (1). Last evaluated 2026-01-19.

Conditions:
Congenital myasthenic syndrome (CMS). Also called: Congenital Myasthenic Syndromes. Identifiers: Orphanet 590, MedGen C0751882, MeSH D020294, MONDO:0018940.
Congenital myasthenic syndrome 4A. Also called: CONGENITAL MYASTHENIC SYNDROME TYPE Ia1; Myasthenic syndrome, congenital, 4a, slow-channel; MYASTHENIC SYNDROME, CONGENITAL, 4A, SLOW-CHANNEL, AUTOSOMAL RECESSIVE. Identifiers: Orphanet 590, MedGen C4225413, MONDO:0011600, OMIM 605809.
Abnormality of the musculature. Identifiers: MedGen C4021745, HP:0003011.

Allele frequency attached by ClinVar (database versions not stated): gnomAD exomes 0.00001 and 0.00002; TOPMed 0.00001; ExAC 0.00002.

Submissions (7):

Labcorp Genetics (formerly Invitae), Labcorp
Classification: Pathogenic for Congenital myasthenic syndrome 4A. Last evaluated: 2026-01-19. Review status: criteria provided, single submitter. Criteria: Invitae Variant Classification Sherloc (09022015). Collection method: clinical testing. Allele origin: germline.
Comment: This sequence change creates a premature translational stop signal (p.Leu63Profs*3) in the CHRNE gene. It is expected to result in an absent or disrupted protein product. Loss-of-function variants in CHRNE are known to be pathogenic (PMID: 22678886). This variant is present in population databases (rs776927709, gnomAD 0.05%). This premature translational stop signal has been observed in individuals with autosomal recessive congenital myasthenic syndrome (PMID: 9158150, 21150643, 27717316). It has also been observed to segregate with disease in related individuals. This variant is also known as 127ins5 and 123_127dupCTCAC. ClinVar contains an entry for this variant (Variation ID: 429303). For these reasons, this variant has been classified as Pathogenic.

Myriad Genetics, Inc.
Classification: Pathogenic for Congenital myasthenic syndrome. Last evaluated: 2025-06-09. Review status: criteria provided, single submitter. Criteria: Myriad Autosomal Dominant, Autosomal Recessive and X-Linked Classification Criteria (2023). Collection method: clinical testing. Allele origin: unknown.
Comment: NM_000080.3(CHRNE):c.183_187dup5(L63Pfs*3) is a frameshift variant classified as pathogenic in the context of congenital myasthenic syndrome, CHRNE-related. L63Pfs*3 has been observed in cases with relevant disease (PMID: 9158150, 21150643, 27717316, 28024842, 31069529, 38374194). Relevant functional assessments of this variant are available in the literature (PMID: 9158150). L63Pfs*3 has been observed in referenced population frequency databases. In summary, NM_000080.3(CHRNE):c.183_187dup5(L63Pfs*3) is a frameshift variant in a gene where loss of function is a known mechanism of disease, is predicted to disrupt protein function, and has been observed more frequently in cases with the relevant disease than in healthy populations. Please note: this variant was assessed in the context of healthy population screening.

Natera, Inc.
Classification: Pathogenic for Congenital myasthenic syndrome. Last evaluated: 2025-04-21. Review status: criteria provided, single submitter. Criteria: Natera Variant Classification Schema (03/2026). Collection method: clinical testing. Allele origin: germline.
Comment: The c.183_187dupCTCAC variant in CHRNE is a frameshift variant predicted to shift the reading frame beginning at codon 63 and leads to a stop codon 3 codons downstream. This variant is expected to result in nonsense mediated decay, truncation, or a dysfunctional protein product. This variant is rare in the general population with a frequency below the threshold expected for the associated phenotype(s). This variant has been observed in one or more individuals affected with the associated recessive disease, as either homozygous or compound heterozygous with a second variant (PMID: 21150643, 20562457). Given the available evidence, this variant is classified as Pathogenic.

Baylor Genetics
Classification: Pathogenic for Congenital myasthenic syndrome 4A. Last evaluated: 2024-03-11. Review status: criteria provided, single submitter. Criteria: ACMG Guidelines, 2015. Collection method: clinical testing. Allele origin: unknown.

Kariminejad - Najmabadi Pathology & Genetics Center
Classification: Pathogenic for Abnormality of the musculature. Last evaluated: 2021-07-10. Review status: criteria provided, single submitter. Criteria: ACMG Guidelines, 2015. Collection method: clinical testing. Allele origin: germline. Affected: yes.

Illumina Laboratory Services, Illumina
Classification: Likely pathogenic for Congenital myasthenic syndrome. Last evaluated: 2017-07-10. Review status: criteria provided, single submitter. Criteria: ICSL Variant Classification Criteria 09 May 2019. Collection method: clinical testing. Allele origin: germline.
Comment: The CHRNE c.183_187dupCTCAC (p.Leu63ProfsTer3) variant is a frameshift variant that is predicted to cause premature truncation of the protein. Across three studies of patients with congenital myasthenic syndrome, the p.Leu63ProfsTer3 variant has been identified in a homozygous state in four patients including three siblings from a consanguineous family, and in a compound heterozygous state in two affected siblings (Ohno et al. 1997; Salih et al. 2011; Chang et al. 2016). The p.Leu63ProfsTer3 variant was absent from 100 controls and is reported at a frequency of 0.00051 in the Ashkenazi Jewish population of the Genome Aggregation Database. Ohno et al. (1997) demonstrated in cultured cells that the p.Leu63ProfsTer3 variant leads to significantly reduced expression of the epsilon subunit of the acetylcholine receptor (CHRNE) compared to wild type. Based on the evidence, the p.Leu63ProfsTer3 variant is classified as likely pathogenic for the recessive form of congenital myasthenic syndrome. This variant was observed by ICSL as part of a predisposition screen in an ostensibly healthy population.

GeneDx
Classification: Pathogenic. Last evaluated: 2017-05-04. Review status: criteria provided, single submitter. Criteria: GeneDx Variant Classification (06012015). Collection method: clinical testing. Allele origin: germline. Affected: yes.
Comment: The c.183_187dupCTCAC pathogenic variant in the CHRNE gene has been reported previously using alternative nomenclature (c.123_127dupCTCAC), in both compound heterozygous and homozygous states, in individuals with congenital myasthenia (Ohno et al., 1997; Salih et al., 2011). The c.183_187dupCTCAC variant causes a frameshift starting with codon Leucine 63, changes this amino acid to a Proline residue and creates a premature Stop codon at position 3 of the new reading frame, denoted p.Leu63ProfsX3. This variant is expected to cause loss of normal protein function either through nonsense-mediated mRNA decay or protein truncation. Functional studies indicate that CHRNE protein harboring the c.183_187dupCTCAC variant fails to assemble with the alpha subunit of the AChR (Ohno et al., 1997). The c.183_187dupCTCAC variant is not observed in large population cohorts (Lek et al., 2016; McVean et al., 2012; Exome Variant Server). We interpret c.183_187dupCTCAC as a pathogenic variant.

Literature cited by the submitters: PubMed 22678886 (cited by Labcorp Genetics (formerly Invitae), Labcorp); PubMed 9158150 (cited by 3 submitters); PubMed 21150643 (cited by 4 submitters); PubMed 27717316 (cited by 3 submitters); PubMed 28024842 (cited by Myriad Genetics, Inc.); PubMed 31069529 (cited by Myriad Genetics, Inc.); PubMed 38374194 (cited by Myriad Genetics, Inc.); PubMed 20562457 (cited by Natera, Inc.).